The following is an entry in ClinVar:

NM_000057.4(BLM):c.546T>C (p.Thr182=)

Gene: BLM (BLM RecQ like helicase; plus strand). Cytogenetic location: 15q26.1.
Variant type: single nucleotide variant.
Coding change: c.546T>C on transcript NM_000057.4 (MANE Select); coding-DNA position 546, T replaced by C.
Protein change: p.Thr182=; no amino-acid change (threonine 182 retained).
Molecular consequence: synonymous variant. On other transcripts: 5 prime UTR variant (1).
Genome position (GRCh38, 1-based): chr15:90,749,814, T>C. VCF-style: chr15-90749814-T-C. GRCh37 (hg19) VCF-style: chr15-91293044-T-C.
Other names: c.546T>C, p.Thr182= (NM_001287247.2, NM_001287246.2); c.-746T>C (NM_001287248.2).
Identifiers: ClinVar variation 3390107 (VCV003390107.14).

ClinVar aggregate classification (germline): Likely benign (1 of 4 stars; one submission).

Submission:

CeGaT Center for Human Genetics Tuebingen
Classification: Likely benign. Last evaluated: 2024-11-01. Review status: criteria provided, single submitter. Criteria: CeGaT Center For Human Genetics Tuebingen Variant Classification Criteria Version 2. Collection method: clinical testing. Allele origin: germline. Affected: yes. Observed: 1 variant allele.
Comment: BLM: PM2:Supporting, BP4, BP7